The following is an entry in ClinVar:

ClinVar aggregate classification (germline): Likely benign. Review status: criteria provided, multiple submitters, no conflicts (2 of 4 stars). 4 submissions from 4 submitters: Likely benign (4). Last evaluated 2025-11-01.

Conditions:
Kufor-Rakeb syndrome (KRS). Also called: PARKINSON DISEASE 9, AUTOSOMAL RECESSIVE, JUVENILE-ONSET. Identifiers: Orphanet 306674, Orphanet 314632, MedGen C1847640, MONDO:0011706, OMIM 606693.
Autosomal recessive spastic paraplegia type 78. Identifiers: Orphanet 513436, MedGen C5567893, MONDO:0014975, OMIM 617225.
Inborn genetic diseases. Identifiers: MedGen C0950123, MeSH D030342.

Allele frequency attached by ClinVar (database versions not stated): gnomAD 0.00001; TOPMed 0.00002; gnomAD exomes 0.00003.
gnomAD v4.1: 11 of 1,594,302 alleles (0.00069%); highest among the groups gnomAD compares: East Asian, 0.0045%; no homozygotes.

Submissions (4):

CeGaT Center for Human Genetics Tuebingen
Classification: Likely benign. Last evaluated: 2025-11-01. Review status: criteria provided, single submitter. Criteria: CeGaT Center For Human Genetics Tuebingen Variant Classification Criteria Version 2. Collection method: clinical testing. Allele origin: germline. Affected: yes. Observed: 1 variant allele.
Comment: ATP13A2: BP4, BP7

Blueprint Genetics
Classification: Likely benign. Last evaluated: 2024-10-02. Review status: criteria provided, single submitter. Criteria: ACMG Guidelines, 2015. Collection method: clinical testing. Allele origin: germline.

Labcorp Genetics (formerly Invitae), Labcorp
Classification: Likely benign for Kufor-Rakeb syndrome; Autosomal recessive spastic paraplegia type 78. Last evaluated: 2023-08-10. Review status: criteria provided, single submitter. Criteria: Invitae Variant Classification Sherloc (09022015). Collection method: clinical testing. Allele origin: germline.

Ambry Genetics
Classification: Likely benign for Inborn genetic diseases. Last evaluated: 2019-03-02. Review status: criteria provided, single submitter. Criteria: Ambry Variant Classification Scheme 2023. Collection method: clinical testing. Allele origin: germline.

NM_022089.4(ATP13A2):c.1710C>T (p.Gly570=)

Gene: ATP13A2 (ATPase cation transporting 13A2; minus strand). Cytogenetic location: 1p36.13.
Variant type: single nucleotide variant.
Coding change: c.1710C>T on transcript NM_022089.4 (MANE Select); coding-DNA position 1710, C replaced by T.
Protein change: p.Gly570=; no amino-acid change (glycine 570 retained).
Molecular consequence: synonymous variant.
Genome position (GRCh38, 1-based): chr1:16,993,668, G>A on the plus strand (C>T on the coding strand, the complement: ATP13A2 is on the minus strand). VCF-style: chr1-16993668-G-A. GRCh37 (hg19) VCF-style: chr1-17320163-G-A.
Other names: c.1695C>T, p.Gly565= (NM_001141973.3, NM_001141974.3).
Identifiers: ClinVar variation 1424349 (VCV001424349.15), dbSNP rs1049938065, ClinGen allele CA18634663.